The following is an entry in ClinVar:

ClinVar aggregate classification (germline): Uncertain significance (1 of 4 stars; one submission).

Allele frequency attached by ClinVar (database versions not stated): gnomAD exomes 0.00001.
gnomAD v4.1: 3 of 1,613,530 alleles (0.00019%); highest among the groups gnomAD compares: South Asian, 0.0011%; no homozygotes.

Submission:

GeneDx
Classification: Uncertain significance. Last evaluated: 2020-01-30. Review status: criteria provided, single submitter. Criteria: GeneDx Variant Classification Process June 2021. Collection method: clinical testing. Allele origin: germline. Affected: yes.
Comment: Not observed in large population cohorts (Lek et al., 2016); In silico analysis supports that this missense variant has a deleterious effect on protein structure/function; Has not been previously published as pathogenic or benign to our knowledge; Variants in candidate genes are classified as variants of uncertain significance in accordance with ACMG guidelines (Richards et al., 2015)

NM_001394062.1(MACF1):c.20201A>G (p.Asn6734Ser)

Gene: MACF1 (microtubule actin crosslinking factor 1; plus strand). Cytogenetic location: 1p34.3.
Variant type: single nucleotide variant.
Coding change: c.20201A>G on transcript NM_001394062.1 (MANE Select); coding-DNA position 20201, A replaced by G.
Protein change: p.Asn6734Ser; replaces asparagine 6734 with serine.
Molecular consequence: missense variant.
Genome position (GRCh38, 1-based): chr1:39,448,706, A>G. VCF-style: chr1-39448706-A-G. GRCh37 (hg19) VCF-style: chr1-39914378-A-G.
Other names: c.14024A>G, p.Asn4675Ser (NM_012090.5); short protein forms N4675S, N6734S.
Identifiers: ClinVar variation 1311367 (VCV001311367.2), dbSNP rs917258797, ClinGen allele CA20952996.